The following is an entry in ClinVar:

ClinVar aggregate classification (germline): Uncertain significance (1 of 4 stars; one submission).

Conditions:
Parathyroid carcinoma (PRTC). Also called: CDC73-Related Parathyroid Carcinoma; Parathyroid gland carcinoma. Identifiers: Orphanet 143, MedGen C0687150, MONDO:0012004, OMIM 608266, HP:0006780.

Allele frequency attached by ClinVar (database versions not stated): TOPMed below 0.00001.

Submission:

Labcorp Genetics (formerly Invitae), Labcorp
Classification: Uncertain significance for Parathyroid carcinoma. Last evaluated: 2025-12-09. Review status: criteria provided, single submitter. Criteria: Invitae Variant Classification Sherloc (09022015). Collection method: clinical testing. Allele origin: germline.
Comment: This sequence change replaces glycine, which is neutral and non-polar, with glutamic acid, which is acidic and polar, at codon 242 of the CDC73 protein (p.Gly242Glu). This variant is not present in population databases (gnomAD no frequency). This variant has not been reported in the literature in individuals affected with CDC73-related conditions. ClinVar contains an entry for this variant (Variation ID: 2418603). Invitae Evidence Modeling of protein sequence and biophysical properties (such as structural, functional, and spatial information, amino acid conservation, physicochemical variation, residue mobility, and thermodynamic stability) indicates that this missense variant is expected to disrupt CDC73 protein function with a positive predictive value of 80%. In summary, the available evidence is currently insufficient to determine the role of this variant in disease. Therefore, it has been classified as a Variant of Uncertain Significance.

NM_024529.5(CDC73):c.725G>A (p.Gly242Glu)

Gene: CDC73 (cell division cycle 73; plus strand). Cytogenetic location: 1q31.2.
Variant type: single nucleotide variant.
Coding change: c.725G>A on transcript NM_024529.5 (MANE Select); coding-DNA position 725, G replaced by A.
Protein change: p.Gly242Glu; replaces glycine 242 with glutamic acid.
Molecular consequence: missense variant.
Genome position (GRCh38, 1-based): chr1:193,142,062, G>A. VCF-style: chr1-193142062-G-A. GRCh37 (hg19) VCF-style: chr1-193111192-G-A.
Other names: short protein forms G242E.
Identifiers: ClinVar variation 2418603 (VCV002418603.6), dbSNP rs1675915717, ClinGen allele CA343962850.